The following is an entry in ClinVar:

ClinVar aggregate classification (germline): Uncertain significance. Review status: criteria provided, multiple submitters, no conflicts (2 of 4 stars). 2 submissions from 2 submitters: Uncertain significance (2). Last evaluated 2023-11-20.

Conditions:
Cone-rod dystrophy 2 (CORD2). Also called: CONE-ROD RETINAL DYSTROPHY; Cone-rod retinal dystrophy 2. Identifiers: Orphanet 1872, MedGen C3489532, MONDO:0007362, OMIM 120970.
Leber congenital amaurosis 7 (LCA7). Identifiers: Orphanet 65, MedGen C3151192, MONDO:0013449, OMIM 613829.

Allele frequency attached by ClinVar (database versions not stated): gnomAD exomes below 0.00001; TOPMed 0.00001.
gnomAD v4.1: 1 of 1,613,894 alleles (0.000062%); highest among the groups gnomAD compares: African/African-American, 0.0013%; no homozygotes.

Submissions (2):

Labcorp Genetics (formerly Invitae), Labcorp
Classification: Uncertain significance for Cone-rod dystrophy 2; Leber congenital amaurosis 7. Last evaluated: 2023-11-20. Review status: criteria provided, single submitter. Criteria: Invitae Variant Classification Sherloc (09022015). Collection method: clinical testing. Allele origin: germline.
Comment: This sequence change replaces glutamine, which is neutral and polar, with histidine, which is basic and polar, at codon 291 of the CRX protein (p.Gln291His). This variant is not present in population databases (gnomAD no frequency). This variant has not been reported in the literature in individuals affected with CRX-related conditions. ClinVar contains an entry for this variant (Variation ID: 866266). Advanced modeling of protein sequence and biophysical properties (such as structural, functional, and spatial information, amino acid conservation, physicochemical variation, residue mobility, and thermodynamic stability) performed at Invitae indicates that this missense variant is not expected to disrupt CRX protein function with a negative predictive value of 80%. In summary, the available evidence is currently insufficient to determine the role of this variant in disease. Therefore, it has been classified as a Variant of Uncertain Significance.

Blueprint Genetics
Classification: Uncertain significance. Last evaluated: 2019-01-15. Review status: criteria provided, single submitter. Criteria: ACMG Guidelines, 2015. Collection method: clinical testing. Allele origin: germline.

NM_000554.6(CRX):c.873G>T (p.Gln291His)

Gene: CRX (cone-rod homeobox; plus strand). Cytogenetic location: 19q13.33.
Variant type: single nucleotide variant.
Coding change: c.873G>T on transcript NM_000554.6 (MANE Select); coding-DNA position 873, G replaced by T.
Protein change: p.Gln291His; replaces glutamine 291 with histidine.
Molecular consequence: missense variant.
Genome position (GRCh38, 1-based): chr19:47,839,940, G>T. VCF-style: chr19-47839940-G-T. GRCh37 (hg19) VCF-style: chr19-48343197-G-T.
Other names: short protein forms Q291H.
Identifiers: ClinVar variation 866266 (VCV000866266.5), dbSNP rs1968174829, ClinGen allele CA406632021.
Genomic context (GRCh38, chr19:47,839,940, plus strand): 5'-CCCCACGGGCACCTGGAAATTCACCTACAATCCCATGGACCCTCTGGACTACAAGGATCA[G>T]AGTGCCTGGAAGTTTCAGATCTTGTAGAGGACGCAGTCTCCATCTCTCTCCATCGGGCCT-3'
Protein context (NP_000545.1, residues 281-299): NPMDPLDYKD[Gln291His]SAWKFQIL